The following is an entry in ClinVar:

NC_000006.12:g.(?_137871228)_(138263611_?)del

Genes: ARFGEF3 (ARFGEF family member 3; plus strand), PBOV1 (prostate and breast cancer overexpressed 1; minus strand), PERP (p53 apoptosis effector related to PMP22; minus strand), TNFAIP3 (TNF alpha induced protein 3; plus strand). Cytogenetic location: 6q23.3.
Variant type: Deletion.
Identifiers: ClinVar variation 830783 (VCV000830783.1).

ClinVar aggregate classification (germline): Pathogenic (1 of 4 stars; one submission).

Submission:

Labcorp Genetics (formerly Invitae), Labcorp
Classification: Pathogenic. Last evaluated: 2020-01-03. Review status: criteria provided, single submitter. Criteria: Invitae Variant Classification Sherloc (09022015). Collection method: clinical testing. Allele origin: germline.
Comment: A gross deletion of the genomic region encompassing the full coding sequence of the TNFAIP3 gene has been identified. The boundaries of this event are unknown as the deletion extends beyond the assayed region for this gene and therefore may encompass additional genes. Isolated whole-gene deletions of TNFAIP3 have not been reported in the literature. However, larger copy number events that include this gene have been reported (PMID: 29572183). Loss-of-function variants in TNFAIP3 are known to be pathogenic (PMID: 26642243). For these reasons, this variant has been classified as Pathogenic.

Literature cited by the submitters: PubMed 29572183.